The following is an entry in ClinVar:

NM_004715.5(CTDP1):c.160G>T (p.Ala54Ser)

Gene: CTDP1 (CTD phosphatase subunit 1; plus strand). Cytogenetic location: 18q23.
Variant type: single nucleotide variant.
Coding change: c.160G>T on transcript NM_004715.5 (MANE Select); coding-DNA position 160, G replaced by T.
Protein change: p.Ala54Ser; replaces alanine 54 with serine.
Molecular consequence: missense variant.
Genome position (GRCh38, 1-based): chr18:79,680,107, G>T. VCF-style: chr18-79680107-G-T. GRCh37 (hg19) VCF-style: chr18-77440107-G-T.
Other names: c.160G>T, p.Ala54Ser (NM_001318511.2, NM_048368.4); short protein forms A54S.
Identifiers: ClinVar variation 2043969 (VCV002043969.2), dbSNP rs1328735976, ClinGen allele CA402825080.

ClinVar aggregate classification (germline): Uncertain significance. Review status: criteria provided, multiple submitters, no conflicts (2 of 4 stars). 2 submissions from 2 submitters: Uncertain significance (2). Last evaluated 2025-05-20.

Allele frequency attached by ClinVar (database versions not stated): TOPMed below 0.00001; gnomAD exomes 0.00001.

Submissions (2):

Ambry Genetics
Classification: Uncertain significance. Last evaluated: 2025-05-20. Review status: criteria provided, single submitter. Criteria: Ambry Variant Classification Scheme 2023. Collection method: clinical testing. Allele origin: germline.

Labcorp Genetics (formerly Invitae), Labcorp
Classification: Uncertain significance. Last evaluated: 2022-08-10. Review status: criteria provided, single submitter. Criteria: Invitae Variant Classification Sherloc (09022015). Collection method: clinical testing. Allele origin: germline.
Comment: This sequence change replaces alanine, which is neutral and non-polar, with serine, which is neutral and polar, at codon 54 of the CTDP1 protein (p.Ala54Ser). This variant is not present in population databases (gnomAD no frequency). This variant has not been reported in the literature in individuals affected with CTDP1-related conditions. Algorithms developed to predict the effect of missense changes on protein structure and function (SIFT, PolyPhen-2, Align-GVGD) all suggest that this variant is likely to be tolerated. In summary, the available evidence is currently insufficient to determine the role of this variant in disease. Therefore, it has been classified as a Variant of Uncertain Significance.